The following is an entry in ClinVar:

ClinVar aggregate classification (germline): Benign/Likely benign. Review status: criteria provided, multiple submitters, no conflicts (2 of 4 stars). 2 submissions from 2 submitters: Benign (1); Likely benign (1). Last evaluated 2026-09-23.

Conditions:
Huntington disease (HD). Also called: Huntington's chorea; Huntington's disease; HUNTINGTON CHOREA. Identifiers: Orphanet 248111, Orphanet 399, MedGen C0020179, MONDO:0007739, OMIM 143100.

Submissions (2):

Department Of Human Genetics, Institute Of Clinical And Translational Research, Biomedical Research Center, Slovak Academy Of Sciences
Classification: Benign for Huntington disease. Last evaluated: 2026-09-23. Review status: criteria provided, single submitter. Criteria: ACMG Guidelines for Huntington disease, 2014. Collection method: research. Allele origin: germline. Inheritance: Autosomal dominant inheritance.
Comment: The NC_000004.12.g.3074878_3074940AGC[10]AAC[1]AGC[1] allele represents a complex trinucleotide repeat sequence in the HTT (huntingtin) gene. The repeat tract consists of 10 consecutive AGC repeats, followed by one AAC repeat and one additional AGC repeat. This sequence corresponds to 10 uninterrupted glutamine-encoding units or 12 interrupted glutamine-encoding repeat units (this count the AAC interruption and the additional AGC to the total number of repeats on the DNA level, while all resulting in glutamine residues at the protein level). Huntington disease (HD) is an autosomal dominant neurodegenerative disorder caused by an expansion of the CAG trinucleotide repeat in exon 1 of the HTT gene. HTT alleles containing 26 or fewer CAG repeats are considered within the normal range, whereas alleles containing 27–35 repeats are classified as intermediate/premutation, 36-39 repeats as reduced-penetrance pathogenic alleles, and 40 or more repeats as full-penetrance pathogenic alleles. This allele falls into the benign range both when considering the 10 uninterrupted as well as the 12 interrupted glutamine-encoding repeats. The allele reached 0.49% frequency in the general population of Slovakia (in 609 genotyped alleles).

Blueprint Genetics
Classification: Likely benign. Last evaluated: 2024-11-20. Review status: criteria provided, single submitter. Criteria: ACMG Guidelines, 2015. Collection method: clinical testing. Allele origin: germline.

NM_001388492.1(HTT):c.54GCA[12] (p.Gln32_Gln38del)

Genes: HTT (huntingtin; plus strand), LOC109461479 (huntingtin repeat instability region; plus strand), LOC129929027 (ATAC-STARR-seq lymphoblastoid silent region 15199; plus strand). Cytogenetic location: 4p16.3.
Variant type: Microsatellite.
Coding change: c.54GCA[12] on transcript NM_001388492.1 (MANE Select); 12 copies in a row of the 3-base unit GCA starting at c.54.
Protein change: p.Gln32_Gln38del.
Genome position: GRCh38 VCF-style: chr4-3074876-CCAGCAGCAGCAGCAGCAGCAGCAGCAG-C. GRCh37 (hg19) VCF-style: chr4-3076603-CCAGCAGCAGCAGCAGCAGCAGCAGCAG-C.
Other names: c.54GCA[12], p.Gln32_Gln40del (NM_002111.8).
Identifiers: ClinVar variation 4966113 (VCV004966113.2).